The following is an entry in ClinVar:

NM_024598.4(USB1):c.725T>C (p.Val242Ala)

Gene: USB1 (U6 snRNA biogenesis phosphodiesterase 1; plus strand). Cytogenetic location: 16q21.
Variant type: single nucleotide variant.
Coding change: c.725T>C on transcript NM_024598.4 (MANE Select); coding-DNA position 725, T replaced by C.
Protein change: p.Val242Ala; replaces valine 242 with alanine.
Molecular consequence: missense variant.
Genome position (GRCh38, 1-based): chr16:58,020,172, T>C. VCF-style: chr16-58020172-T-C. GRCh37 (hg19) VCF-style: chr16-58054076-T-C.
Other names: c.671T>C, p.Val224Ala (NM_001195302.2); c.572T>C, p.Val191Ala (NM_001330568.2); short protein forms V242A, V191A, V224A.
Identifiers: ClinVar variation 2918522 (VCV002918522.4), dbSNP rs766841291, ClinGen allele CA8085042.

ClinVar aggregate classification (germline): Uncertain significance. Review status: criteria provided, multiple submitters, no conflicts (2 of 4 stars). 2 submissions from 2 submitters: Uncertain significance (2). Last evaluated 2025-02-26.

Conditions:
Inborn genetic diseases. Identifiers: MedGen C0950123, MeSH D030342.

Allele frequency attached by ClinVar (database versions not stated): gnomAD 0.00001; ExAC 0.00002.
gnomAD v4.1: 10 of 1,614,014 alleles (0.00062%); highest among the groups gnomAD compares: South Asian, 0.0088%; no homozygotes.

Submissions (2):

Ambry Genetics
Classification: Uncertain significance for Inborn genetic diseases. Last evaluated: 2025-02-26. Review status: criteria provided, single submitter. Criteria: Ambry Variant Classification Scheme 2023. Collection method: clinical testing. Allele origin: germline.

Labcorp Genetics (formerly Invitae), Labcorp
Classification: Uncertain significance. Last evaluated: 2023-03-16. Review status: criteria provided, single submitter. Criteria: Invitae Variant Classification Sherloc (09022015). Collection method: clinical testing. Allele origin: germline.
Comment: In summary, the available evidence is currently insufficient to determine the role of this variant in disease. Therefore, it has been classified as a Variant of Uncertain Significance. Advanced modeling of protein sequence and biophysical properties (such as structural, functional, and spatial information, amino acid conservation, physicochemical variation, residue mobility, and thermodynamic stability) performed at Invitae indicates that this missense variant is not expected to disrupt USB1 protein function. This variant has not been reported in the literature in individuals affected with USB1-related conditions. This variant is present in population databases (rs766841291, gnomAD 0.01%). This sequence change replaces valine, which is neutral and non-polar, with alanine, which is neutral and non-polar, at codon 242 of the USB1 protein (p.Val242Ala).